The following is an entry in ClinVar:

ClinVar aggregate classification (germline): Uncertain significance. Review status: criteria provided, multiple submitters, no conflicts (2 of 4 stars). 2 submissions from 2 submitters: Uncertain significance (2). Last evaluated 2025-04-18.

Conditions:
Fanconi anemia complementation group J. Also called: BRIP1-Related Fanconi Anemia. Identifiers: Orphanet 84, MedGen C1836860, MONDO:0012187, OMIM 609054.
Familial cancer of breast. Also called: Hereditary breast cancer; hereditary breast carcinoma; BREAST CANCER, FAMILIAL. Identifiers: Orphanet 227535, MedGen C0346153, MONDO:0016419, OMIM 114480. Disease mechanism: loss of function.
Hereditary cancer-predisposing syndrome. Also called: Hereditary Cancer Syndrome; Hereditary neoplastic syndrome; Tumor predisposition; Neoplastic Syndromes, Hereditary. Identifiers: Orphanet 140162, MedGen C0027672, MeSH D009386, MONDO:0015356.

Submissions (2):

Labcorp Genetics (formerly Invitae), Labcorp
Classification: Uncertain significance for Familial cancer of breast; Fanconi anemia complementation group J. Last evaluated: 2025-04-18. Review status: criteria provided, single submitter. Criteria: Invitae Variant Classification Sherloc (09022015). Collection method: clinical testing. Allele origin: germline.
Comment: This sequence change replaces leucine, which is neutral and non-polar, with phenylalanine, which is neutral and non-polar, at codon 534 of the BRIP1 protein (p.Leu534Phe). This variant is not present in population databases (gnomAD no frequency). This variant has not been reported in the literature in individuals affected with BRIP1-related conditions. ClinVar contains an entry for this variant (Variation ID: 2774998). Invitae Evidence Modeling of protein sequence and biophysical properties (such as structural, functional, and spatial information, amino acid conservation, physicochemical variation, residue mobility, and thermodynamic stability) indicates that this missense variant is not expected to disrupt BRIP1 protein function with a negative predictive value of 95%. In summary, the available evidence is currently insufficient to determine the role of this variant in disease. Therefore, it has been classified as a Variant of Uncertain Significance.

Color Diagnostics, LLC DBA Color Health
Classification: Uncertain significance for Hereditary cancer-predisposing syndrome. Last evaluated: 2024-03-06. Review status: criteria provided, single submitter. Criteria: ACMG Guidelines, 2015. Collection method: clinical testing. Allele origin: germline.
Comment: This missense variant replaces leucine with phenylalanine at codon 534 of the BRIP1 protein. Computational prediction suggests that this variant may not impact protein structure and function (internally defined REVEL score threshold <= 0.5, PMID: 27666373). To our knowledge, functional studies have not been reported for this variant. This variant has not been reported in individuals affected with hereditary cancer in the literature. This variant has not been identified in the general population by the Genome Aggregation Database (gnomAD). The available evidence is insufficient to determine the role of this variant in disease conclusively. Therefore, this variant is classified as a Variant of Uncertain Significance.

NM_032043.3(BRIP1):c.1600C>T (p.Leu534Phe)

Gene: BRIP1 (BRCA1 interacting DNA helicase 1; minus strand). Cytogenetic location: 17q23.2.
Variant type: single nucleotide variant.
Coding change: c.1600C>T on transcript NM_032043.3 (MANE Select); coding-DNA position 1600, C replaced by T.
Protein change: p.Leu534Phe; replaces leucine 534 with phenylalanine.
Molecular consequence: missense variant.
Genome position (GRCh38, 1-based): chr17:61,784,298, G>A on the plus strand (C>T on the coding strand, the complement: BRIP1 is on the minus strand). VCF-style: chr17-61784298-G-A. GRCh37 (hg19) VCF-style: chr17-59861659-G-A.
Other names: short protein forms L534F.
Identifiers: ClinVar variation 2774998 (VCV002774998.3), dbSNP rs2145135999, ClinGen allele CA400480984.